The following is an entry in ClinVar:

ClinVar aggregate classification (germline): Uncertain significance (1 of 4 stars; one submission).

Submission:

Women's Health and Genetics/Laboratory Corporation of America, LabCorp
Classification: Uncertain significance. Last evaluated: 2020-04-28. Review status: criteria provided, single submitter. Criteria: LabCorp Variant Classification Summary - May 2015. Collection method: clinical testing. Allele origin: germline.
Comment: Variant summary: MAP2K1 c.961-61_997dup98 involves the duplication of a number of nucleotides spanning part of intron 8 (including a splice-region) and extending into part of exon 9. Several computational tools predict a significant impact on normal splicing: Three predict the variant creates a cryptic 3 acceptor site. However, these predictions have yet to be confirmed by functional studies. The variant was absent in 250848 control chromosomes (gnomAD). The available data on variant occurrences in the general population are insufficient to allow any conclusion about variant significance. To our knowledge, no occurrence of c.961-61_997dup98 in individuals affected with Noonan Syndrome And Related Conditions and no experimental evidence demonstrating its impact on protein function have been reported. No clinical diagnostic laboratories have submitted clinical-significance assessments for this variant to ClinVar after 2014. Based on the evidence outlined above, the variant was classified as uncertain significance.

NM_002755.4(MAP2K1):c.961-61_997dup

Gene: MAP2K1 (mitogen-activated protein kinase kinase 1; plus strand). Cytogenetic location: 15q22.31.
Variant type: Duplication.
Coding change: c.961-61_997dup on transcript NM_002755.4 (MANE Select); 61 bases into the intron before coding-DNA position 961 through coding-DNA position 997, 98 bases duplicated.
Molecular consequence: splice acceptor variant.
Genome position (GRCh38, 1-based): chr15:66,489,154-66,489,251, 98 bases duplicated. GRCh37 (hg19): chr15:66,781,492-66,781,589.
Identifiers: ClinVar variation 917828 (VCV000917828.1), dbSNP rs1893152621, ClinGen allele CA1139664039.